The following continues an entry in ClinVar:

NM_007294.4(BRCA1):c.3328_3330del (p.Lys1110del)

ClinVar aggregate classification (germline): Conflicting classifications of pathogenicity. Uncertain significance (5); Benign (3); Likely benign (7).

Submissions 17 to 22 of 22:

Counsyl
Classification: Uncertain significance for Breast-ovarian cancer, familial, susceptibility to, 1. Last evaluated: 2015-12-22. Review status: no assertion criteria provided. Collection method: clinical testing. Allele origin: unknown. Not counted in ClinVar's aggregate classification.

Sharing Clinical Reports Project (SCRP)
Classification: Likely benign for Breast-ovarian cancer, familial 1. Last evaluated: 2008-11-11. Review status: no assertion criteria provided. Collection method: clinical testing. Allele origin: germline. Not counted in ClinVar's aggregate classification.

Breast Cancer Information Core (BIC) (BRCA1)
Classification: Uncertain significance for Breast-ovarian cancer, familial 1. Last evaluated: 2004-02-20. Review status: no assertion criteria provided. Collection method: clinical testing. Allele origin: germline. Affected: yes. Observed: 2 variant alleles. Not counted in ClinVar's aggregate classification.

Department of Pathology and Laboratory Medicine, Sinai Health System
Classification: Uncertain significance. Review status: no assertion criteria provided. Collection method: clinical testing. Allele origin: unknown. Affected: yes. Study: The Canadian Open Genetics Repository (COGR). Not counted in ClinVar's aggregate classification.
Comment: The BRCA1 p.Lys1110del variant was identified in at least 1 of 55630 proband chromosomes from individuals or families with breast or ovarian cancer (Judkins 2005). The variant was also identified in dbSNP (ID: rs80358335) â€šÃ„ÃºWith Uncertain significance alleleâ€šÃ„Ã¹, the Exome Aggregation Consortium (ExAC) database (released Jan 13, 2015) in 54 of 121128 chromosomes (frequency: 0.0004), or 54 individuals from a population of South Asian individuals, and none from European (Non-Finnish), East Asian, Other, African, Latino, or European (Finnish) individuals; and the ClinVar database (classified as a variant with uncertain significance by BIC, Ambry Genetics and Molecular Genetics Diagnostic Laboratory, CHEO and classification not provided by Invitae), and GeneInsight COGR database(3X, classified as â€šÃ„Ãºunknown significanceâ€šÃ„Ã¹ by 2 clinical laboratories, and unclassified by another). This variant is an in-frame deletion resulting in the removal of a lysine (Lys) residue at codon 1110; however, the impact of this alteration on BRCA1 protein function is not known. A cDNA-based functional complementation assay using BRCA1-deficient mouse embryonic stem cells, classified the variant as neutral by restoring cell proliferation and showing cisplatin sensitivity at levels similar to wild-type BRCA1 protein (Bouwman 2013). However, the impact of this alteration on other aspects of BRCA1 protein function is not known. In summary, based on the above information, the clinical significance of this variant cannot be determined with certainty at this time. This variant is classified as a variant of unknown significance.

Diagnostic Laboratory, Department of Genetics, University Medical Center Groningen
Classification: Likely benign. Review status: no assertion criteria provided. Collection method: clinical testing. Allele origin: germline. Affected: yes. Study: VKGL Data-share Consensus. Not counted in ClinVar's aggregate classification.

Laboratory of Diagnostic Genome Analysis, Leiden University Medical Center (LUMC)
Classification: Likely benign. Review status: no assertion criteria provided. Collection method: clinical testing. Allele origin: germline. Affected: yes. Study: VKGL Data-share Consensus. Not counted in ClinVar's aggregate classification.

Literature cited by the submitters: PubMed 16267036 (cited by 3 submitters); PubMed 23867111 (cited by 3 submitters); PubMed 19370767 (cited by Women's Health and Genetics/Laboratory Corporation of America, LabCorp); PubMed 22486713 (cited by 3 submitters); PubMed 25036526 (cited by 3 submitters); PubMed 26911350 (cited by 3 submitters); PubMed 28263838 (cited by Women's Health and Genetics/Laboratory Corporation of America, LabCorp); PubMed 29785135 (cited by Women's Health and Genetics/Laboratory Corporation of America, LabCorp); PubMed 30555256 (cited by Women's Health and Genetics/Laboratory Corporation of America, LabCorp); PubMed 32546644 (cited by Women's Health and Genetics/Laboratory Corporation of America, LabCorp); PubMed 34981296 (cited by Women's Health and Genetics/Laboratory Corporation of America, LabCorp); PubMed 35534704 (cited by Women's Health and Genetics/Laboratory Corporation of America, LabCorp); PubMed 20104584 (cited by KCCC/NGS Laboratory, Kuwait Cancer Control Center).